The following is an entry in ClinVar:

NM_001369369.1(FOXN1):c.330C>A (p.Ser110Arg)

Gene: FOXN1 (forkhead box N1; plus strand). Cytogenetic location: 17q11.2.
Variant type: single nucleotide variant.
Coding change: c.330C>A on transcript NM_001369369.1 (MANE Select); coding-DNA position 330, C replaced by A.
Protein change: p.Ser110Arg; replaces serine 110 with arginine.
Molecular consequence: missense variant.
Genome position (GRCh38, 1-based): chr17:28,524,709, C>A. VCF-style: chr17-28524709-C-A. GRCh37 (hg19) VCF-style: chr17-26851727-C-A.
Other names: c.330C>A, p.Ser110Arg (NM_003593.3); short protein forms S110R.
Identifiers: ClinVar variation 4807552 (VCV004807552.1).
Genomic context (GRCh38, chr17:28,524,709, plus strand): 5'-CTTCAGGCTCTCACCCTCAGACAAGTATCCTGGCTTTGGCTTTGAGGAGGCCGCAGCAAG[C>A]AGCCCTGGGCGATTCCTCAAGGGCAGCCACGCGCCCTTCCACCCGTACAAGCGGCCTTTC-3'
Protein context (NP_001356298.1, residues 100-120): PGFGFEEAAA[Ser110Arg]SPGRFLKGSH

ClinVar aggregate classification (germline): Uncertain significance (1 of 4 stars; one submission).

Conditions:
T-cell immunodeficiency, congenital alopecia, and nail dystrophy. Also called: Congenital alopecia and nail dystrophy associated with severe functional T-cell immunodeficiency; Pignata Guarino syndrome. Identifiers: Orphanet 169095, MedGen C1866426, MONDO:0011132, OMIM 601705.

gnomAD v4.1: 1 of 1,612,552 alleles (0.000062%); highest among the groups gnomAD compares: Non-Finnish European, 0.000085%; no homozygotes.

Submission:

Labcorp Genetics (formerly Invitae), Labcorp
Classification: Uncertain significance for T-cell immunodeficiency, congenital alopecia, and nail dystrophy. Last evaluated: 2025-04-17. Review status: criteria provided, single submitter. Criteria: Invitae Variant Classification Sherloc (09022015). Collection method: clinical testing. Allele origin: germline.
Comment: This sequence change replaces serine, which is neutral and polar, with arginine, which is basic and polar, at codon 110 of the FOXN1 protein (p.Ser110Arg). This variant is not present in population databases (gnomAD no frequency). This variant has not been reported in the literature in individuals affected with FOXN1-related conditions. Invitae Evidence Modeling of protein sequence and biophysical properties (such as structural, functional, and spatial information, amino acid conservation, physicochemical variation, residue mobility, and thermodynamic stability) indicates that this missense variant is not expected to disrupt FOXN1 protein function with a negative predictive value of 80%. In summary, the available evidence is currently insufficient to determine the role of this variant in disease. Therefore, it has been classified as a Variant of Uncertain Significance.